The following is an entry in ClinVar:

NM_001375524.1(TRRAP):c.3059A>G (p.Gln1020Arg)

Gene: TRRAP (transformation/transcription domain associated protein; plus strand). Cytogenetic location: 7q22.1.
Variant type: single nucleotide variant.
Coding change: c.3059A>G on transcript NM_001375524.1 (MANE Select); coding-DNA position 3059, A replaced by G.
Protein change: p.Gln1020Arg; replaces glutamine 1020 with arginine.
Molecular consequence: missense variant.
Genome position (GRCh38, 1-based): chr7:98,927,250, A>G. VCF-style: chr7-98927250-A-G. GRCh37 (hg19) VCF-style: chr7-98524873-A-G.
Other names: c.3059A>G, p.Gln1020Arg (NM_001244580.2, NM_003496.4); short protein forms Q1020R.
Identifiers: ClinVar variation 2037108 (VCV002037108.4), dbSNP rs2484765883, ClinGen allele CA368297013.

ClinVar aggregate classification (germline): Uncertain significance (1 of 4 stars; one submission).

Submission:

Labcorp Genetics (formerly Invitae), Labcorp
Classification: Uncertain significance. Last evaluated: 2022-08-19. Review status: criteria provided, single submitter. Criteria: Invitae Variant Classification Sherloc (09022015). Collection method: clinical testing. Allele origin: germline.
Comment: In summary, the available evidence is currently insufficient to determine the role of this variant in disease. Therefore, it has been classified as a Variant of Uncertain Significance. Algorithms developed to predict the effect of missense changes on protein structure and function (SIFT, PolyPhen-2, Align-GVGD) all suggest that this variant is likely to be tolerated. This variant has not been reported in the literature in individuals affected with TRRAP-related conditions. This variant is not present in population databases (gnomAD no frequency). This sequence change replaces glutamine, which is neutral and polar, with arginine, which is basic and polar, at codon 1020 of the TRRAP protein (p.Gln1020Arg).